The following is an entry in ClinVar:

NM_002206.3(ITGA7):c.1192+7C>T

Gene: ITGA7 (integrin subunit alpha 7; minus strand). Cytogenetic location: 12q13.2.
Variant type: single nucleotide variant.
Coding change: c.1192+7C>T on transcript NM_002206.3 (MANE Select); 7 bases into the intron after coding-DNA position 1192, C replaced by T.
Molecular consequence: intron variant.
Genome position (GRCh38, 1-based): chr12:55,698,376, G>A on the plus strand (C>T on the coding strand, the complement: ITGA7 is on the minus strand). VCF-style: chr12-55698376-G-A. GRCh37 (hg19) VCF-style: chr12-56092160-G-A.
Other names: c.913+7C>T (NM_001144997.2); c.865+7C>T (NM_001367993.1); c.853+7C>T (NM_001414035.1); c.1009+7C>T (NM_001414033.1); c.-101+7C>T (NM_001367994.1); c.1072+7C>T (NM_001414032.1); c.1105+7C>T (NM_001414031.1); c.1192+7C>T (NM_001374465.1, NM_001414034.1); and 3 more.
Identifiers: ClinVar variation 703758 (VCV000703758.19), dbSNP rs771730976, ClinGen allele CA6616038.

ClinVar aggregate classification (germline): Benign. Review status: criteria provided, single submitter (1 of 4 stars). 2 submissions from 2 submitters: Benign (1). 1 of the submissions does not count toward it. Last evaluated 2026-01-11.

Conditions:
ITGA7-related disorder. Also called: ITGA7-related condition.
Congenital muscular dystrophy due to integrin alpha-7 deficiency. Also called: MYOPATHY, CONGENITAL, DUE TO INTEGRIN ALPHA-7 DEFICIENCY; Congenital muscular dystrophy with integrin alpha-7 deficiency; Muscular dystrophy, congenital, due to ITGA7 deficiency. Identifiers: Orphanet 34520, MedGen C2750786, MONDO:0013177, OMIM 613204.

Allele frequency attached by ClinVar (database versions not stated): gnomAD exomes 0.00008 and 0.00041; gnomAD 0.00009; TOPMed 0.00015; 1000 Genomes Project 30x 0.00031; ExAC 0.00056.
gnomAD v4.1: 124 of 1,607,004 alleles (0.0077%); highest among the groups gnomAD compares: Admixed American, 0.17%; no homozygotes.

Submissions (2):

Labcorp Genetics (formerly Invitae), Labcorp
Classification: Benign for Congenital muscular dystrophy due to integrin alpha-7 deficiency. Last evaluated: 2026-01-11. Review status: criteria provided, single submitter. Criteria: Invitae Variant Classification Sherloc (09022015). Collection method: clinical testing. Allele origin: germline.

PreventionGenetics, part of Exact Sciences
Classification: Likely benign for ITGA7-related condition. Last evaluated: 2022-12-15. Review status: no assertion criteria provided. Collection method: clinical testing. Allele origin: germline. Not counted in ClinVar's aggregate classification.
Comment: This variant is classified as likely benign based on ACMG/AMP sequence variant interpretation guidelines (Richards et al. 2015 PMID: 25741868, with internal and published modifications).